The following is an entry in ClinVar:

NM_014991.6(WDFY3):c.8209G>A (p.Asp2737Asn)

Gene: WDFY3 (WD repeat and FYVE domain containing 3; minus strand). Cytogenetic location: 4q21.23.
Variant type: single nucleotide variant.
Coding change: c.8209G>A on transcript NM_014991.6 (MANE Select); coding-DNA position 8209, G replaced by A.
Protein change: p.Asp2737Asn; replaces aspartic acid 2737 with asparagine.
Molecular consequence: missense variant.
Genome position (GRCh38, 1-based): chr4:84,708,917, C>T on the plus strand (G>A on the coding strand, the complement: WDFY3 is on the minus strand). VCF-style: chr4-84708917-C-T. GRCh37 (hg19) VCF-style: chr4-85630070-C-T.
Other names: short protein forms D2737N.
Identifiers: ClinVar variation 1810537 (VCV001810537.1), dbSNP rs758580502, ClinGen allele CA2992443.

ClinVar aggregate classification (germline): Uncertain significance (1 of 4 stars; one submission).

Allele frequency attached by ClinVar (database versions not stated): ExAC 0.00001; gnomAD 0.00001.
gnomAD v4.1: 11 of 1,612,720 alleles (0.00068%); highest among the groups gnomAD compares: Admixed American, 0.0017%; no homozygotes.

Submission:

GeneDx
Classification: Uncertain significance. Last evaluated: 2022-07-03. Review status: criteria provided, single submitter. Criteria: GeneDx Variant Classification Process June 2021. Collection method: clinical testing. Allele origin: germline. Affected: yes.
Comment: Not observed at significant frequency in large population cohorts (gnomAD); In silico analysis supports that this missense variant has a deleterious effect on protein structure/function; Has not been previously published as pathogenic or benign to our knowledge